The following is an entry in ClinVar:

ClinVar aggregate classification (germline): Pathogenic. Review status: criteria provided, single submitter (1 of 4 stars). 2 submissions from 2 submitters: Pathogenic (1). 1 of the submissions does not count toward it. Last evaluated 2025-09-19.

Conditions:
3M syndrome 1. Also called: 3-M Syndrome, CUL7-Related. Identifiers: Orphanet 2616, MedGen C2678312, MONDO:0010117, OMIM 273750.

Submissions (2):

First Genomix Gene Laboratory, Genetic Diagnostics Department
Classification: Pathogenic for 3M syndrome 1. Last evaluated: 2025-09-19. Review status: criteria provided, single submitter. Criteria: ACMG Guidelines, 2015. Collection method: clinical testing. Allele origin: germline. Inheritance: Autosomal recessive inheritance. Affected: no. Observed: 1 variant allele.

Medical Genetics, University of Parma
Classification: Pathogenic for 3M syndrome 1. Last evaluated: 2015-12-17. Review status: no assertion criteria provided. Collection method: clinical testing. Allele origin: germline. Inheritance: Autosomal recessive inheritance. Affected: yes. Observed: 1 variant allele, 1 homozygote. Not counted in ClinVar's aggregate classification.
Comment: Variant predicted to result in the loss of protein function (splice junction mutation at position -1) not previously reported in patients with disease. Variant detected in two affected sisters.

NM_014780.5(CUL7):c.3173-1G>C

Gene: CUL7 (cullin 7; minus strand). Cytogenetic location: 6p21.1.
Variant type: single nucleotide variant.
Coding change: c.3173-1G>C on transcript NM_014780.5 (MANE Select); the canonical splice acceptor site of the intron before coding-DNA position 3173, G replaced by C.
Molecular consequence: splice acceptor variant.
Genome position (GRCh38, 1-based): chr6:43,043,631, C>G on the plus strand (G>C on the coding strand, the complement: CUL7 is on the minus strand). VCF-style: chr6-43043631-C-G. GRCh37 (hg19) VCF-style: chr6-43011369-C-G.
Other names: c.3269-1G>C (NM_001168370.2, NM_001374872.1); c.3173-1G>C (NM_001374874.1, NM_001374873.1).
Identifiers: ClinVar variation 218361 (VCV000218361.3), dbSNP rs864309521, ClinGen allele CA277868.